The following is an entry in ClinVar:

NM_001144967.3(NEDD4L):c.1065G>A (p.Pro355=)

Gene: NEDD4L (NEDD4 like E3 ubiquitin protein ligase; plus strand). Cytogenetic location: 18q21.31.
Variant type: single nucleotide variant.
Coding change: c.1065G>A on transcript NM_001144967.3 (MANE Select); coding-DNA position 1065, G replaced by A.
Protein change: p.Pro355=; no amino-acid change (proline 355 retained).
Molecular consequence: synonymous variant.
Genome position (GRCh38, 1-based): chr18:58,333,892, G>A. VCF-style: chr18-58333892-G-A. GRCh37 (hg19) VCF-style: chr18-56001124-G-A.
Other names: c.702G>A, p.Pro234= (NM_001144964.1, NM_001144965.2, NM_001144966.3 and 2 more transcripts); c.1041G>A, p.Pro347= (NM_001144968.2, NM_001144969.2); c.1065G>A, p.Pro355= (NM_001243960.2, NM_015277.6).
Identifiers: ClinVar variation 3665502 (VCV003665502.3).

ClinVar aggregate classification (germline): Uncertain significance (1 of 4 stars; one submission).

gnomAD v4.1: 6 of 1,605,012 alleles (0.00037%); highest among the groups gnomAD compares: Admixed American, 0.0017%; no homozygotes.

Submissions (2):

Labcorp Genetics (formerly Invitae), Labcorp
Classification: Uncertain significance. Last evaluated: 2024-02-15. Review status: criteria provided, single submitter. Criteria: Invitae Variant Classification Sherloc (09022015). Collection method: clinical testing. Allele origin: germline.
Comment: This sequence change affects codon 355 of the NEDD4L mRNA. It is a 'silent' change, meaning that it does not change the encoded amino acid sequence of the NEDD4L protein. This variant also falls at the last nucleotide of exon 12, which is part of the consensus splice site for this exon. This variant is not present in population databases (gnomAD no frequency). This variant has not been reported in the literature in individuals affected with NEDD4L-related conditions. Variants that disrupt the consensus splice site are a relatively common cause of aberrant splicing (PMID: 17576681, 9536098). Algorithms developed to predict the effect of sequence changes on RNA splicing suggest that this variant may disrupt the consensus splice site. In summary, the available evidence is currently insufficient to determine the role of this variant in disease. Therefore, it has been classified as a Variant of Uncertain Significance.

Dr. Peter K. Rogan Lab, Western University
No classification provided (evidence only). Condition: Ovarian serous cystadenocarcinoma. Review status: no classification provided. Collection method: in vitro. Allele origin: not applicable. Functional consequence: retained intron. Not counted in ClinVar's aggregate classification.

Literature cited by the submitters: PubMed 17576681 (cited by Labcorp Genetics (formerly Invitae), Labcorp); PubMed 9536098 (cited by Labcorp Genetics (formerly Invitae), Labcorp).